The following is an entry in ClinVar:

ClinVar aggregate classification (germline): Uncertain significance (1 of 4 stars; one submission).

Submission:

Labcorp Genetics (formerly Invitae), Labcorp
Classification: Uncertain significance. Last evaluated: 2024-07-22. Review status: criteria provided, single submitter. Criteria: Invitae Variant Classification Sherloc (09022015). Collection method: clinical testing. Allele origin: germline.
Comment: This sequence change replaces glycine, which is neutral and non-polar, with arginine, which is basic and polar, at codon 872 of the MICAL1 protein (p.Gly872Arg). The frequency data for this variant in the population databases is considered unreliable, as metrics indicate poor data quality at this position in the gnomAD database. This variant has not been reported in the literature in individuals affected with MICAL1-related conditions. ClinVar contains an entry for this variant (Variation ID: 2017715). An algorithm developed to predict the effect of missense changes on protein structure and function (PolyPhen-2) suggests that this variant is likely to be disruptive. In summary, the available evidence is currently insufficient to determine the role of this variant in disease. Therefore, it has been classified as a Variant of Uncertain Significance.

NM_022765.4(MICAL1):c.2557G>C (p.Gly853Arg)

Gene: MICAL1 (microtubule associated monooxygenase, calponin and LIM domain containing 1; minus strand). Cytogenetic location: 6q21.
Variant type: single nucleotide variant.
Coding change: c.2557G>C on transcript NM_022765.4 (MANE Select); coding-DNA position 2557, G replaced by C.
Protein change: p.Gly853Arg; replaces glycine 853 with arginine.
Molecular consequence: missense variant.
Genome position (GRCh38, 1-based): chr6:109,446,160, C>G on the plus strand (G>C on the coding strand, the complement: MICAL1 is on the minus strand). VCF-style: chr6-109446160-C-G. GRCh37 (hg19) VCF-style: chr6-109767363-C-G.
Other names: c.2299G>C, p.Gly767Arg (NM_001159291.2); c.2614G>C, p.Gly872Arg (NM_001286613.2); short protein forms G853R, G872R, G767R.
Identifiers: ClinVar variation 2017715 (VCV002017715.4), dbSNP rs1159922532, ClinGen allele CA365223096.
Genomic context (GRCh38, chr6:109,446,160, plus strand): 5'-CCACCCTGGGTCAGCACATCTGTGAGGATGGGTTACCTTGAGGGCTCTGGACTGGCAGGC[C>G]CCAGCCCACAAAGCTGCTCTCCAGGGCGTGGCGGGCCAAGGCGGAGCAGCTGCGGGGAGG-3'
Protein context (NP_073602.3, residues 843-863): HALESSFVGW[Gly853Arg]LPVQSPQALV